The following is an entry in ClinVar:

NM_003998.4(NFKB1):c.2419+1dup

Gene: NFKB1 (nuclear factor kappa B subunit 1; plus strand). Cytogenetic location: 4q24.
Variant type: Duplication.
Coding change: c.2419+1dup on transcript NM_003998.4 (MANE Select); the canonical splice donor site of the intron after coding-DNA position 2419, one base duplicated (G; older notation c.2419+1dupG).
Molecular consequence: splice donor variant.
Genome position (GRCh38, 1-based): chr4:102,612,111, G duplicated; the last of 2 consecutive G bases (chr4:102,612,110-102,612,111); duplicating either gives the same sequence. VCF-style (leftmost placement, unchanged base first): chr4-102612109-A-AG. GRCh37 (hg19) VCF-style: chr4-103533266-A-AG.
Other names: c.2419+1dup (NM_001382626.1, NM_001382625.1); c.2416+1dup (NM_001382627.1, NM_001165412.2, NM_001319226.2); c.2377+1dup (NM_001382628.1).
Identifiers: ClinVar variation 1345959 (VCV001345959.6), dbSNP rs2149230139, ClinGen allele CA2573137947.

ClinVar aggregate classification (germline): Likely pathogenic (1 of 4 stars; one submission).

Submission:

Labcorp Genetics (formerly Invitae), Labcorp
Classification: Likely pathogenic. Last evaluated: 2022-03-24. Review status: criteria provided, single submitter. Criteria: Invitae Variant Classification Sherloc (09022015). Collection method: clinical testing. Allele origin: germline.
Comment: In summary, the currently available evidence indicates that the variant is pathogenic, but additional data are needed to prove that conclusively. Therefore, this variant has been classified as Likely Pathogenic. Algorithms developed to predict the effect of sequence changes on RNA splicing suggest that this variant may disrupt the consensus splice site. This variant has not been reported in the literature in individuals affected with NFKB1-related conditions. This variant is not present in population databases (gnomAD no frequency). This sequence change affects a splice site in intron 21 of the NFKB1 gene. It is expected to disrupt RNA splicing. Variants that disrupt the donor or acceptor splice site typically lead to a loss of protein function (PMID: 16199547), and loss-of-function variants in NFKB1 are known to be pathogenic (PMID: 26279205, 29477724).

Literature cited by the submitters: PubMed 16199547; PubMed 26279205; PubMed 29477724.